The following is an entry in ClinVar:

NM_001134363.3(RBM20):c.147_164del (p.44PPPPPQ[1])

Gene: RBM20 (RNA binding motif protein 20; plus strand). Cytogenetic location: 10q25.2.
Variant type: Deletion.
Coding change: c.147_164del on transcript NM_001134363.3 (MANE Select); coding-DNA positions 147 to 164, 18 bases deleted (GCCACCGCCCCCGCCCCA).
Protein change: p.44PPPPPQ[1].
Molecular consequence: inframe deletion.
Genome position (GRCh38, 1-based): chr10:110,644,601-110,644,618, GCCACCGCCCCCGCCCCA deleted; deleting any 18 consecutive bases within chr10:110,644,593-110,644,618 gives the same sequence; the c. name uses the placement nearest the transcript's 3' end. VCF-style (leftmost placement, unchanged base first): chr10-110644592-GCCGCCCCAGCCACCGCCC-G. GRCh37 (hg19) VCF-style: chr10-112404350-GCCGCCCCAGCCACCGCCC-G.
Identifiers: ClinVar variation 1403539 (VCV001403539.6), dbSNP rs1273274801, ClinGen allele CA596022014.

ClinVar aggregate classification (germline): Uncertain significance (1 of 4 stars; one submission).

Conditions:
Dilated cardiomyopathy 1DD (CMD1DD). Identifiers: Orphanet 154, MedGen C2750995, MONDO:0013168, OMIM 613172.

Submission:

Labcorp Genetics (formerly Invitae), Labcorp
Classification: Uncertain significance for Dilated cardiomyopathy 1DD. Last evaluated: 2024-06-04. Review status: criteria provided, single submitter. Criteria: Invitae Variant Classification Sherloc (09022015). Collection method: clinical testing. Allele origin: germline.
Comment: This variant, c.147_164del, results in the deletion of 6 amino acid(s) of the RBM20 protein (p.Pro50_Gln55del), but otherwise preserves the integrity of the reading frame. This variant is present in population databases (no rsID available, gnomAD 0.01%). This variant has not been reported in the literature in individuals affected with RBM20-related conditions. ClinVar contains an entry for this variant (Variation ID: 1403539). Experimental studies and prediction algorithms are not available or were not evaluated, and the functional significance of this variant is currently unknown. In summary, the available evidence is currently insufficient to determine the role of this variant in disease. Therefore, it has been classified as a Variant of Uncertain Significance.